The following is an entry in ClinVar:

ClinVar aggregate classification (germline): Uncertain significance. Review status: criteria provided, multiple submitters, no conflicts (2 of 4 stars). 2 submissions from 2 submitters: Uncertain significance (2). Last evaluated 2025-05-01.

Allele frequency attached by ClinVar (database versions not stated): ExAC 0.00001; gnomAD 0.00001; 1000 Genomes Project 30x 0.00016; 1000 Genomes Project 0.00020.
gnomAD v4.1: 6 of 1,588,212 alleles (0.00038%); highest among the groups gnomAD compares: South Asian, 0.0033%; no homozygotes.

Submissions (2):

Ambry Genetics
Classification: Uncertain significance. Last evaluated: 2025-05-01. Review status: criteria provided, single submitter. Criteria: Ambry Variant Classification Scheme 2023. Collection method: clinical testing. Allele origin: germline.

Labcorp Genetics (formerly Invitae), Labcorp
Classification: Uncertain significance. Last evaluated: 2023-09-09. Review status: criteria provided, single submitter. Criteria: Invitae Variant Classification Sherloc (09022015). Collection method: clinical testing. Allele origin: germline.
Comment: In summary, the available evidence is currently insufficient to determine the role of this variant in disease. Therefore, it has been classified as a Variant of Uncertain Significance. An algorithm developed to predict the effect of missense changes on protein structure and function (PolyPhen-2) suggests that this variant is likely to be disruptive. This variant has not been reported in the literature in individuals affected with ARHGEF1-related conditions. This variant is present in population databases (rs193119387, gnomAD 0.001%). This sequence change replaces arginine, which is basic and polar, with tryptophan, which is neutral and slightly polar, at codon 206 of the ARHGEF1 protein (p.Arg206Trp).

NM_004706.4(ARHGEF1):c.571C>T (p.Arg191Trp)

Gene: ARHGEF1 (Rho guanine nucleotide exchange factor 1; plus strand). Cytogenetic location: 19q13.2.
Variant type: single nucleotide variant.
Coding change: c.571C>T on transcript NM_004706.4 (MANE Select); coding-DNA position 571, C replaced by T.
Protein change: p.Arg191Trp; replaces arginine 191 with tryptophan.
Molecular consequence: missense variant. On other transcripts: non-coding transcript variant (2).
Genome position (GRCh38, 1-based): chr19:41,892,806, C>T. VCF-style: chr19-41892806-C-T. GRCh37 (hg19) VCF-style: chr19-42396877-C-T.
Other names: c.571C>T, p.Arg191Trp (NM_001396000.1, NM_001396003.1, NM_001396006.1); c.472C>T, p.Arg158Trp (NM_001396002.1, NM_001396004.1, NM_198977.2); c.616C>T, p.Arg206Trp (NM_199002.2); c.616C>T (NM_199002.1); short protein forms R206W, R191W, R158W.
Identifiers: ClinVar variation 2868807 (VCV002868807.4), dbSNP rs193119387, ClinGen allele CA9465942.